The following is an entry in ClinVar:

ClinVar aggregate classification (germline): Likely benign. Review status: criteria provided, multiple submitters, no conflicts (2 of 4 stars). 2 submissions from 2 submitters: Likely benign (2). Last evaluated 2026-07-31.

Conditions:
Familial colorectal cancer type X. Identifiers: Orphanet 440437, MedGen C3896578, MONDO:0018604.

gnomAD v4.1: 1 of 1,607,058 alleles (0.000062%); highest among the groups gnomAD compares: Non-Finnish European, 0.000085%; no homozygotes.

Submissions (2):

Myriad Genetics, Inc.
Classification: Likely benign for Familial colorectal cancer type X. Last evaluated: 2026-07-31. Review status: criteria provided, single submitter. Criteria: Myriad Autosomal Dominant, Autosomal Recessive and X-Linked Classification Criteria (2023). Collection method: clinical testing. Allele origin: unknown.
Comment: This variant is considered likely benign. This variant is intronic and is not expected to impact mRNA splicing.

Labcorp Genetics (formerly Invitae), Labcorp
Classification: Likely benign. Last evaluated: 2025-07-03. Review status: criteria provided, single submitter. Criteria: Invitae Variant Classification Sherloc (09022015). Collection method: clinical testing. Allele origin: germline.

NM_001023.4(RPS20):c.4-6T>C

Gene: RPS20 (ribosomal protein S20; minus strand). Cytogenetic location: 8q12.1.
Variant type: single nucleotide variant.
Coding change: c.4-6T>C on transcript NM_001023.4 (MANE Select); 6 bases into the intron before coding-DNA position 4, T replaced by C.
Molecular consequence: intron variant.
Genome position (GRCh38, 1-based): chr8:56,074,165, A>G on the plus strand (T>C on the coding strand, the complement: RPS20 is on the minus strand). VCF-style: chr8-56074165-A-G. GRCh37 (hg19) VCF-style: chr8-56986724-A-G.
Other names: c.4-6T>C (NM_001146227.3).
Identifiers: ClinVar variation 4707927 (VCV004707927.2).